The following is an entry in ClinVar:

ClinVar aggregate classification (germline): Uncertain significance (1 of 4 stars; one submission).

Allele frequency attached by ClinVar (database versions not stated): TOPMed below 0.00001.

Submission:

Labcorp Genetics (formerly Invitae), Labcorp
Classification: Uncertain significance. Last evaluated: 2022-02-09. Review status: criteria provided, single submitter. Criteria: Invitae Variant Classification Sherloc (09022015). Collection method: clinical testing. Allele origin: germline.
Comment: ClinVar contains an entry for this variant (Variation ID: 836279). This variant has not been reported in the literature in individuals affected with TTLL5-related conditions. This variant is not present in population databases (gnomAD no frequency). This sequence change replaces glutamic acid, which is acidic and polar, with lysine, which is basic and polar, at codon 286 of the TTLL5 protein (p.Glu286Lys). Algorithms developed to predict the effect of missense changes on protein structure and function are either unavailable or do not agree on the potential impact of this missense change (SIFT: "Deleterious"; PolyPhen-2: "Possibly Damaging"; Align-GVGD: "Class C0"). In summary, the available evidence is currently insufficient to determine the role of this variant in disease. Therefore, it has been classified as a Variant of Uncertain Significance.

NM_015072.5(TTLL5):c.856G>A (p.Glu286Lys)

Gene: TTLL5 (tubulin tyrosine ligase like 5; plus strand). Cytogenetic location: 14q24.3.
Variant type: single nucleotide variant.
Coding change: c.856G>A on transcript NM_015072.5 (MANE Select); coding-DNA position 856, G replaced by A.
Protein change: p.Glu286Lys; replaces glutamic acid 286 with lysine.
Molecular consequence: missense variant.
Genome position (GRCh38, 1-based): chr14:75,719,748, G>A. VCF-style: chr14-75719748-G-A. GRCh37 (hg19) VCF-style: chr14-76186091-G-A.
Other names: short protein forms E286K.
Identifiers: ClinVar variation 836279 (VCV000836279.9), dbSNP rs1202712728, ClinGen allele CA390458424.
Genomic context (GRCh38, chr14:75,719,748, plus strand): 5'-GCCAAGCCTAGTTACATATGTGACTTTGATTTATTAATTTGTTTTAGTTGTGACGATCCA[G>A]AAGTGGAGGATTATGGAAACAAATGGAGCATGAGTGCTATGCTTAGGTACCTGAAACAAG-3'
Protein context (NP_055887.3, residues 276-296): SGDYVSCDDP[Glu286Lys]VEDYGNKWSM